The following is an entry in ClinVar:

ClinVar aggregate classification (germline): Benign/Likely benign. Review status: criteria provided, multiple submitters, no conflicts (2 of 4 stars). 9 submissions from 9 submitters: Benign (2); Likely benign (6). 1 of the submissions does not count toward it. Last evaluated 2026-02-01.

Conditions:
ATM-related disorder. Also called: ATM-related disorders; ATM-related condition.
Hereditary cancer-predisposing syndrome. Also called: Neoplastic Syndromes, Hereditary; Hereditary Cancer Syndrome; Tumor predisposition; Hereditary neoplastic syndrome. Identifiers: Orphanet 140162, MedGen C0027672, MeSH D009386, MONDO:0015356.
Ataxia-telangiectasia syndrome (AT). Also called: LOUIS-BAR SYNDROME; Cerebello-oculocutaneous telangiectasia; Immunodeficiency with ataxia telangiectasia; Ataxia-telangiectasia, complementation group D; AT, COMPLEMENTATION GROUP C; Ataxia-telangiectasia, complementation group E. Identifiers: Orphanet 100, MedGen C0004135, MONDO:0008840, OMIM 208900.
Familial cancer of breast. Also called: Hereditary breast cancer; BREAST CANCER, FAMILIAL; hereditary breast carcinoma. Identifiers: Orphanet 227535, MedGen C0346153, MONDO:0016419, OMIM 114480. Disease mechanism: loss of function.

Allele frequency attached by ClinVar (database versions not stated): gnomAD exomes 0.00001 and 0.00005; gnomAD 0.00001; TOPMed 0.00003; ExAC 0.00003.
gnomAD v4.1: 21 of 1,607,378 alleles (0.0013%); highest among the groups gnomAD compares: Admixed American, 0.02%; no homozygotes.

Submissions (9):

Labcorp Genetics (formerly Invitae), Labcorp
Classification: Likely benign for Ataxia-telangiectasia syndrome. Last evaluated: 2026-02-01. Review status: criteria provided, single submitter. Criteria: Invitae Variant Classification Sherloc (09022015). Collection method: clinical testing. Allele origin: germline.

Myriad Genetics, Inc.
Classification: Benign for Familial cancer of breast. Last evaluated: 2025-09-17. Review status: criteria provided, single submitter. Criteria: Myriad Autosomal Dominant, Autosomal Recessive and X-Linked Classification Criteria (2023). Collection method: clinical testing. Allele origin: unknown.
Comment: This variant is considered benign. This variant is intronic and is not expected to impact mRNA splicing. This variant is strongly associated with less severe personal and family histories of cancer, typical for individuals without pathogenic variants in this gene [PMID: 25085752].

Women's Health and Genetics/Laboratory Corporation of America, LabCorp
Classification: Likely benign. Last evaluated: 2025-01-16. Review status: criteria provided, single submitter. Criteria: LabCorp Variant Classification Summary - May 2015. Collection method: clinical testing. Allele origin: germline.
Comment: Variant summary: ATM c.8850+10T>C alters a non-conserved nucleotide located at a position not widely known to affect splicing. Consensus agreement among computation tools predict no significant impact on normal splicing. However, these predictions have yet to be confirmed by functional studies. The variant allele was found at a frequency of 4.8e-05 in 251134 control chromosomes. This frequency is not significantly higher than estimated for a pathogenic variant in ATM causing Breast Cancer (4.8e-05 vs 0.001), allowing no conclusion about variant significance. To our knowledge, no occurrence of c.8850+10T>C in individuals affected with Breast Cancer and no experimental evidence demonstrating its impact on protein function have been reported. ClinVar contains an entry for this variant (Variation ID: 414606). Based on the evidence outlined above, the variant was classified as likely benign.

Blueprint Genetics
Classification: Likely benign. Last evaluated: 2024-10-28. Review status: criteria provided, single submitter. Criteria: ACMG Guidelines, 2015. Collection method: clinical testing. Allele origin: germline.

Department of Pathology and Laboratory Medicine, Sinai Health System
Classification: Likely benign for Familial cancer of breast. Last evaluated: 2024-03-18. Review status: criteria provided, single submitter. Criteria: ACMG Guidelines, 2015. Collection method: clinical testing. Allele origin: germline. Affected: yes.

KCCC/NGS Laboratory, Kuwait Cancer Control Center
Classification: Likely benign for Familial cancer of breast. Last evaluated: 2023-07-07. Review status: criteria provided, single submitter. Criteria: ACMG Guidelines, 2015. Collection method: clinical testing. Allele origin: germline. Affected: yes.

Color Diagnostics, LLC DBA Color Health
Classification: Likely benign for Hereditary cancer-predisposing syndrome. Last evaluated: 2017-02-23. Review status: criteria provided, single submitter. Criteria: ACMG Guidelines, 2015. Collection method: clinical testing. Allele origin: germline.

GeneDx
Classification: Benign. Last evaluated: 2015-03-03. Review status: criteria provided, single submitter. Criteria: GeneDx Variant Classification Process June 2021. Collection method: clinical testing. Allele origin: germline. Affected: yes.

PreventionGenetics, part of Exact Sciences
Classification: Likely benign for ATM-related condition. Last evaluated: 2019-06-20. Review status: no assertion criteria provided. Collection method: clinical testing. Allele origin: germline. Not counted in ClinVar's aggregate classification.
Comment: This variant is classified as likely benign based on ACMG/AMP sequence variant interpretation guidelines (Richards et al. 2015 PMID: 25741868, with internal and published modifications).

Literature cited by the submitters: PubMed 25085752 (cited by Myriad Genetics, Inc.).

NM_000051.4(ATM):c.8850+10T>C

Genes: ATM (ATM serine/threonine kinase; plus strand), C11orf65 (chromosome 11 open reading frame 65; minus strand). Cytogenetic location: 11q22.3.
Variant type: single nucleotide variant.
Coding change: c.8850+10T>C on transcript NM_000051.4 (MANE Select); 10 bases into the intron after coding-DNA position 8850, T replaced by C.
Molecular consequence: intron variant.
Genome position (GRCh38, 1-based): chr11:108,354,884, T>C. VCF-style: chr11-108354884-T-C. GRCh37 (hg19) VCF-style: chr11-108225611-T-C.
Other names: c.8850+10T>C (NM_001351834.2); c.640+31036A>G (NM_001330368.2); c.695-19592A>G (NM_001351110.2).
Identifiers: ClinVar variation 414606 (VCV000414606.26), dbSNP rs762487236, ClinGen allele CA6266462.
Genomic context (GRCh38, chr11:108,354,884, plus strand): 5'-ACCATGGAAGTGATGAGAAACTCTCAGGAAACTCTGTTAACCATTGTAGAGGTAAAGTAT[T>C]TTATAAGGAAGACTTTATTTTTTTTCTTACCAGGTAGACTGTGTATCTCATCAGGAAGTC-3'